The following is an entry in ClinVar:

NM_001041.4(SI):c.880del (p.Val294fs)

Gene: SI (sucrase-isomaltase; minus strand). Cytogenetic location: 3q26.1.
Variant type: Deletion.
Coding change: c.880del on transcript NM_001041.4 (MANE Select); coding-DNA position 880, one base deleted (G; older notation c.880delG).
Protein change: p.Val294fs; shifts the reading frame from valine 294.
Molecular consequence: frameshift variant.
Genome position (GRCh38, 1-based): chr3:165,063,469, C deleted on the plus strand (G on the coding strand, the reverse complement: SI is on the minus strand). VCF-style (leftmost placement, unchanged base first): chr3-165063468-AC-A. GRCh37 (hg19) VCF-style: chr3-164781256-AC-A.
Other names: short protein forms V294fs.
Identifiers: ClinVar variation 2000687 (VCV002000687.4), dbSNP rs2473421946, ClinGen allele CA2580069031.

ClinVar aggregate classification (germline): Pathogenic (1 of 4 stars; one submission).

Submission:

Labcorp Genetics (formerly Invitae), Labcorp
Classification: Pathogenic. Last evaluated: 2022-08-27. Review status: criteria provided, single submitter. Criteria: Invitae Variant Classification Sherloc (09022015). Collection method: clinical testing. Allele origin: germline.
Comment: This variant has not been reported in the literature in individuals affected with SI-related conditions. Algorithms developed to predict the effect of sequence changes on RNA splicing suggest that this variant may disrupt the consensus splice site. For these reasons, this variant has been classified as Pathogenic. This sequence change creates a premature translational stop signal (p.Val294Phefs*3) in the SI gene. It is expected to result in an absent or disrupted protein product. Loss-of-function variants in SI are known to be pathogenic (PMID: 16329100, 23103650, 25452324). This variant is not present in population databases (gnomAD no frequency).

Literature cited by the submitters: PubMed 16329100; PubMed 23103650; PubMed 25452324.